The following is an entry in ClinVar:

NM_022168.4(IFIH1):c.2056A>G (p.Met686Val)

Gene: IFIH1 (interferon induced with helicase C domain 1; minus strand). Cytogenetic location: 2q24.2.
Variant type: single nucleotide variant.
Coding change: c.2056A>G on transcript NM_022168.4 (MANE Select); coding-DNA position 2056, A replaced by G.
Protein change: p.Met686Val; replaces methionine 686 with valine.
Molecular consequence: missense variant.
Genome position (GRCh38, 1-based): chr2:162,276,935, T>C on the plus strand (A>G on the coding strand, the complement: IFIH1 is on the minus strand). VCF-style: chr2-162276935-T-C. GRCh37 (hg19) VCF-style: chr2-163133445-T-C.
Other names: short protein forms M686V.
Identifiers: ClinVar variation 2929715 (VCV002929715.3), dbSNP rs1384591767, ClinGen allele CA348998105.

ClinVar aggregate classification (germline): Uncertain significance (1 of 4 stars; one submission).

Conditions:
Singleton-Merten syndrome 1 (SGMRT1). Also called: Widened medullary cavities of bone, aortic calcification, abnormal dentition, and muscular weakness; Syndrome of widened medullary cavities of the metacarpals and phalanges, aortic calcification and abnormal dentition. Identifiers: Orphanet 85191, MedGen C4225427, MONDO:0024535, OMIM 182250.
Aicardi-Goutieres syndrome 7 (AGS7). Identifiers: Orphanet 51, MedGen C3888244, MONDO:0014367, OMIM 615846.

Allele frequency attached by ClinVar (database versions not stated): gnomAD exomes below 0.00001; gnomAD 0.00001.
gnomAD v4.1: 3 of 1,597,470 alleles (0.00019%); highest among the groups gnomAD compares: African/African-American, 0.0027%; no homozygotes.

Submission:

Labcorp Genetics (formerly Invitae), Labcorp
Classification: Uncertain significance for Aicardi-Goutieres syndrome 7; Singleton-Merten syndrome 1. Last evaluated: 2025-05-19. Review status: criteria provided, single submitter. Criteria: Invitae Variant Classification Sherloc (09022015). Collection method: clinical testing. Allele origin: germline.
Comment: This sequence change replaces methionine, which is neutral and non-polar, with valine, which is neutral and non-polar, at codon 686 of the IFIH1 protein (p.Met686Val). The frequency data for this variant in the population databases is considered unreliable, as metrics indicate poor data quality at this position in the gnomAD database. This variant has not been reported in the literature in individuals affected with IFIH1-related conditions. ClinVar contains an entry for this variant (Variation ID: 2929715). Invitae Evidence Modeling of protein sequence and biophysical properties (such as structural, functional, and spatial information, amino acid conservation, physicochemical variation, residue mobility, and thermodynamic stability) has been performed for this missense variant. However, the output from this modeling did not meet the statistical confidence thresholds required to predict the impact of this variant on IFIH1 protein function. In summary, the available evidence is currently insufficient to determine the role of this variant in disease. Therefore, it has been classified as a Variant of Uncertain Significance.